The following is an entry in ClinVar:

ClinVar aggregate classification (germline): Uncertain significance (1 of 4 stars; one submission).

Conditions:
X-linked chondrodysplasia punctata 1 (CDPX1). Also called: CHONDRODYSPLASIA PUNCTATA, BRACHYTELEPHALANGIC; Chondrodysplasia punctata, X-linked recessive. Identifiers: Orphanet 79345, MedGen C3669395, MONDO:0010555, OMIM 302950.

Allele frequency attached by ClinVar (database versions not stated): gnomAD exomes below 0.00001.
gnomAD v4.1: 1 of 1,211,033 alleles (0.000083%); highest among the groups gnomAD compares: Middle Eastern, 0.025%; no homozygotes.

Submission:

Institute of Human Genetics, University of Leipzig Medical Center
Classification: Uncertain significance for X-linked chondrodysplasia punctata 1. Last evaluated: 2020-01-27. Review status: criteria provided, single submitter. Criteria: ACMG Guidelines, 2015. Collection method: clinical testing. Allele origin: germline. Affected: yes. Observed: 1 variant allele.
Comment: This variant was identified as hemizygous

NM_000047.3(ARSL):c.1022G>T (p.Gly341Val)

Gene: ARSL (arylsulfatase L; minus strand). Cytogenetic location: Xp22.33.
Variant type: single nucleotide variant.
Coding change: c.1022G>T on transcript NM_000047.3 (MANE Select); coding-DNA position 1022, G replaced by T.
Protein change: p.Gly341Val; replaces glycine 341 with valine.
Molecular consequence: missense variant.
Genome position (GRCh38, 1-based): chrX:2,943,169, C>A on the plus strand (G>T on the coding strand, the complement: ARSL is on the minus strand). VCF-style: chrX-2943169-C-A. GRCh37 (hg19) VCF-style: chrX-2861210-C-A.
Other names: c.1097G>T, p.Gly366Val (NM_001282628.2, NM_001369080.1); c.860G>T, p.Gly287Val (NM_001282631.2); c.1049G>T, p.Gly350Val (NM_001369079.1); short protein forms G287V, G341V, G350V, G366V.
Identifiers: ClinVar variation 976306 (VCV000976306.1), dbSNP rs2089304436, ClinGen allele CA412278881.
Genomic context (GRCh38, chrX:2,943,169, plus strand): 5'-TGATTCTCTAGGGAACCGCCGTGATCCGACGTAAAATAAATGAGGGTGCTGTTGCTCAAA[C>A]CCTCCACGTCCAAAGTGTCAAGGATCCGTCCTGCAAAGAACAGATGTTTTTGGGGCCGTC-3'
Protein context (NP_000038.2, residues 331-351): GRILDTLDVE[Gly341Val]LSNSTLIYFT